The following is an entry in ClinVar:

NM_001365276.2(TNXB):c.9072C>A (p.His3024Gln)

Gene: TNXB (tenascin XB; minus strand). Cytogenetic location: 6p21.33.
Variant type: single nucleotide variant.
Coding change: c.9072C>A on transcript NM_001365276.2 (MANE Select); coding-DNA position 9072, C replaced by A.
Protein change: p.His3024Gln; replaces histidine 3024 with glutamine.
Molecular consequence: missense variant.
Genome position (GRCh38, 1-based): chr6:32,052,713, G>T on the plus strand (C>A on the coding strand, the complement: TNXB is on the minus strand). VCF-style: chr6-32052713-G-T. GRCh37 (hg19) VCF-style: chr6-32020490-G-T.
Other names: c.9066C>A, p.His3022Gln (NM_019105.8); short protein forms H3022Q, H3024Q.
Identifiers: ClinVar variation 1032822 (VCV001032822.1), dbSNP rs61729739, ClinGen allele CA363544916.

ClinVar aggregate classification (germline): Uncertain significance (1 of 4 stars; one submission).

Conditions:
Ehlers-Danlos syndrome due to tenascin-X deficiency (EDSCLL1). Also called: TNX DEFICIENCY; EHLERS-DANLOS SYNDROME, CLASSIC-LIKE; Ehlers-Danlos syndrome, classic-like, 1; EDS DUE TO TNX DEFICIENCY; TNXB-Related Classical-Like Ehlers-Danlos Syndrome. Identifiers: Orphanet 230839, MedGen C1848029, MONDO:0011670, OMIM 606408.

Submission:

Baylor Genetics
Classification: Uncertain significance for Ehlers-Danlos syndrome due to tenascin-X deficiency. Last evaluated: 2018-08-01. Review status: criteria provided, single submitter. Criteria: ACMG Guidelines, 2015. Collection method: clinical testing. Allele origin: unknown. Affected: yes.
Comment: This variant was determined to be of uncertain significance according to ACMG Guidelines, 2015 [PMID:25741868].